The following is an entry in ClinVar:

NM_006231.4(POLE):c.170G>A (p.Gly57Asp)

Gene: POLE (DNA polymerase epsilon, catalytic subunit; minus strand). Cytogenetic location: 12q24.33.
Variant type: single nucleotide variant.
Coding change: c.170G>A on transcript NM_006231.4 (MANE Select); coding-DNA position 170, G replaced by A.
Protein change: p.Gly57Asp; replaces glycine 57 with aspartic acid.
Molecular consequence: missense variant.
Genome position (GRCh38, 1-based): chr12:132,681,172, C>T on the plus strand (G>A on the coding strand, the complement: POLE is on the minus strand). VCF-style: chr12-132681172-C-T. GRCh37 (hg19) VCF-style: chr12-133257758-C-T.
Other names: short protein forms G57D.
Identifiers: ClinVar variation 2758366 (VCV002758366.3), dbSNP rs2136033845, ClinGen allele CA387369830.

ClinVar aggregate classification (germline): Uncertain significance (1 of 4 stars; one submission).

Submission:

Labcorp Genetics (formerly Invitae), Labcorp
Classification: Uncertain significance. Last evaluated: 2023-06-02. Review status: criteria provided, single submitter. Criteria: Invitae Variant Classification Sherloc (09022015). Collection method: clinical testing. Allele origin: germline.
Comment: This sequence change replaces glycine, which is neutral and non-polar, with aspartic acid, which is acidic and polar, at codon 57 of the POLE protein (p.Gly57Asp). This variant is not present in population databases (gnomAD no frequency). This variant has not been reported in the literature in individuals affected with POLE-related conditions. Advanced modeling of protein sequence and biophysical properties (such as structural, functional, and spatial information, amino acid conservation, physicochemical variation, residue mobility, and thermodynamic stability) performed at Invitae indicates that this missense variant is not expected to disrupt POLE protein function. RNA analysis performed to evaluate the impact of this missense change on mRNA splicing indicates it does not significantly alter splicing (Invitae). In summary, the available evidence is currently insufficient to determine the role of this variant in disease. Therefore, it has been classified as a Variant of Uncertain Significance.